The following is an entry in ClinVar:

NM_001367721.1(CASK):c.2090G>A (p.Ser697Asn)

Gene: CASK (calcium/calmodulin dependent serine protein kinase; minus strand). Cytogenetic location: Xp11.4.
Variant type: single nucleotide variant.
Coding change: c.2090G>A on transcript NM_001367721.1 (MANE Select); coding-DNA position 2090, G replaced by A.
Protein change: p.Ser697Asn; replaces serine 697 with asparagine.
Molecular consequence: missense variant.
Genome position (GRCh38, 1-based): chrX:41,542,756, C>T on the plus strand (G>A on the coding strand, the complement: CASK is on the minus strand). VCF-style: chrX-41542756-C-T. GRCh37 (hg19) VCF-style: chrX-41402009-C-T.
Other names: c.2021G>A, p.Ser674Asn (NM_001126054.3); c.2003G>A, p.Ser668Asn (NM_001126055.3); c.2072G>A, p.Ser691Asn (NM_001410745.1); c.2090G>A, p.Ser697Asn (NM_003688.4); short protein forms S668N, S691N, S697N, S674N.
Identifiers: ClinVar variation 2743806 (VCV002743806.3), dbSNP rs2519721405, ClinGen allele CA412992358.

ClinVar aggregate classification (germline): Uncertain significance (1 of 4 stars; one submission).

Conditions:
Intellectual disability, CASK-related, X-linked. Identifiers: MedGen CN043158.

Submission:

Labcorp Genetics (formerly Invitae), Labcorp
Classification: Uncertain significance for Intellectual disability, CASK-related, X-linked. Last evaluated: 2023-07-16. Review status: criteria provided, single submitter. Criteria: Invitae Variant Classification Sherloc (09022015). Collection method: clinical testing. Allele origin: germline.
Comment: In summary, the available evidence is currently insufficient to determine the role of this variant in disease. Therefore, it has been classified as a Variant of Uncertain Significance. Advanced modeling of protein sequence and biophysical properties (such as structural, functional, and spatial information, amino acid conservation, physicochemical variation, residue mobility, and thermodynamic stability) has been performed at Invitae for this missense variant, however the output from this modeling did not meet the statistical confidence thresholds required to predict the impact of this variant on CASK protein function. This variant has not been reported in the literature in individuals affected with CASK-related conditions. This variant is not present in population databases (gnomAD no frequency). This sequence change replaces serine, which is neutral and polar, with asparagine, which is neutral and polar, at codon 697 of the CASK protein (p.Ser697Asn).